The following is an entry in ClinVar:

NM_001134407.3(GRIN2A):c.3426del (p.Glu1143fs)

Gene: GRIN2A (glutamate ionotropic receptor NMDA type subunit 2A; minus strand). Cytogenetic location: 16p13.2.
Variant type: Deletion.
Coding change: c.3426del on transcript NM_001134407.3 (MANE Select); coding-DNA position 3426, one base deleted (C; older notation c.3426delC).
Protein change: p.Glu1143fs; shifts the reading frame from glutamic acid 1143.
Molecular consequence: frameshift variant.
Genome position (GRCh38, 1-based): chr16:9,764,118, G deleted on the plus strand (C on the coding strand, the reverse complement: GRIN2A is on the minus strand); the first of 3 consecutive G bases (chr16:9,764,118-9,764,120); deleting any one gives the same sequence. VCF-style (leftmost placement, unchanged base first): chr16-9764117-CG-C. GRCh37 (hg19) VCF-style: chr16-9857974-CG-C.
Other names: c.3426del, p.Glu1143fs (NM_000833.5, NM_001134408.2); short protein forms E1143fs.
Identifiers: ClinVar variation 1709510 (VCV001709510.2), dbSNP rs2505966575, ClinGen allele CA2580092130.

ClinVar aggregate classification (germline): Likely pathogenic (1 of 4 stars; one submission).

Conditions:
Landau-Kleffner syndrome (FESD). Also called: EPILEPSY, FOCAL, WITH SPEECH DISORDER AND WITH OR WITHOUT MENTAL RETARDATION; APHASIA, ACQUIRED, WITH EPILEPSY. Identifiers: Orphanet 1945, Orphanet 725, Orphanet 98818, MedGen C0282512, MONDO:0009509, OMIM 245570.

Submission:

MGZ Medical Genetics Center
Classification: Likely pathogenic for Landau-Kleffner syndrome. Last evaluated: 2022-06-02. Review status: criteria provided, single submitter. Criteria: ACMG Guidelines, 2015. Collection method: clinical testing. Allele origin: germline. Affected: yes. Observed: 1 variant allele.
Comment: ACMG criteria applied: PVS1, PM2_SUP